The following is an entry in ClinVar:

ClinVar aggregate classification (germline): Uncertain significance (1 of 4 stars; one submission).

Submission:

Labcorp Genetics (formerly Invitae), Labcorp
Classification: Uncertain significance. Last evaluated: 2023-06-09. Review status: criteria provided, single submitter. Criteria: Invitae Variant Classification Sherloc (09022015). Collection method: clinical testing. Allele origin: germline.
Comment: In summary, the available evidence is currently insufficient to determine the role of this variant in disease. Therefore, it has been classified as a Variant of Uncertain Significance. Advanced modeling of protein sequence and biophysical properties (such as structural, functional, and spatial information, amino acid conservation, physicochemical variation, residue mobility, and thermodynamic stability) performed at Invitae indicates that this missense variant is not expected to disrupt TNNI3K protein function. This variant has not been reported in the literature in individuals affected with TNNI3K-related conditions. This variant is not present in population databases (gnomAD no frequency). This sequence change replaces cysteine, which is neutral and slightly polar, with arginine, which is basic and polar, at codon 498 of the TNNI3K protein (p.Cys498Arg).

NM_015978.3(TNNI3K):c.1492T>C (p.Cys498Arg)

Genes: FPGT-TNNI3K (FPGT-TNNI3K readthrough; plus strand), TNNI3K (TNNI3 interacting kinase; plus strand). Cytogenetic location: 1p31.1.
Variant type: single nucleotide variant.
Coding change: c.1492T>C on transcript NM_015978.3 (MANE Select); coding-DNA position 1492, T replaced by C.
Protein change: p.Cys498Arg; replaces cysteine 498 with arginine.
Molecular consequence: missense variant.
Genome position (GRCh38, 1-based): chr1:74,369,410, T>C. VCF-style: chr1-74369410-T-C. GRCh37 (hg19) VCF-style: chr1-74835094-T-C.
Other names: c.1795T>C, p.Cys599Arg (NM_001112808.3, NM_001199327.2); short protein forms C498R, C599R.
Identifiers: ClinVar variation 2788632 (VCV002788632.3), dbSNP rs1336360719, ClinGen allele CA340786087.